The following is an entry in ClinVar:

NM_000138.5(FBN1):c.6988G>T (p.Glu2330Ter)

Gene: FBN1 (fibrillin 1; minus strand). Cytogenetic location: 15q21.1.
Variant type: single nucleotide variant.
Coding change: c.6988G>T on transcript NM_000138.5 (MANE Select); coding-DNA position 6988, G replaced by T.
Protein change: p.Glu2330Ter; replaces glutamic acid 2330 with a stop codon.
Molecular consequence: nonsense.
Genome position (GRCh38, 1-based): chr15:48,428,355, C>A on the plus strand (G>T on the coding strand, the complement: FBN1 is on the minus strand). VCF-style: chr15-48428355-C-A. GRCh37 (hg19) VCF-style: chr15-48720552-C-A.
Other names: c.6988G>T, p.Glu2330Ter (NM_001406716.1); short protein forms E2330*.
Identifiers: ClinVar variation 3255128 (VCV003255128.3), dbSNP rs1042807324.

ClinVar aggregate classification (germline): Pathogenic. Review status: criteria provided, multiple submitters, no conflicts (2 of 4 stars). 2 submissions from 2 submitters: Pathogenic (2). Last evaluated 2024-09-28.

Conditions:
Marfan syndrome (MFS). Also called: MARFAN SYNDROME, TYPE I; Marfan syndrome type 1; Marfan's syndrome; Marfan syndrome, classic; FBN1-Related Marfan Syndrome. Identifiers: Orphanet 284963, Orphanet 558, MedGen C0024796, MONDO:0007947, OMIM 154700.
Familial thoracic aortic aneurysm and aortic dissection (TAAD). Also called: Thoracic aortic aneurysms and dissections. Identifiers: Orphanet 91387, MedGen C4707243, MONDO:0019625.

Submissions (2):

Labcorp Genetics (formerly Invitae), Labcorp
Classification: Pathogenic for Marfan syndrome; Familial thoracic aortic aneurysm and aortic dissection. Last evaluated: 2024-09-28. Review status: criteria provided, single submitter. Criteria: Invitae Variant Classification Sherloc (09022015). Collection method: clinical testing. Allele origin: germline.
Comment: This sequence change creates a premature translational stop signal (p.Glu2330*) in the FBN1 gene. It is expected to result in an absent or disrupted protein product. Loss-of-function variants in FBN1 are known to be pathogenic (PMID: 17657824, 19293843). This variant is not present in population databases (gnomAD no frequency). This premature translational stop signal has been observed in individual(s) with Marfan syndrome (PMID: 31149040). For these reasons, this variant has been classified as Pathogenic.

Victorian Clinical Genetics Services, Murdoch Childrens Research Institute
Classification: Pathogenic for Marfan syndrome. Last evaluated: 2023-07-16. Review status: criteria provided, single submitter. Criteria: ACMG Guidelines, 2015. Collection method: clinical testing. Allele origin: germline. Inheritance: Autosomal dominant inheritance. Affected: yes.
Comment: Based on the classification scheme VCGS_Germline_v1.3.4, this variant is classified as Pathogenic. Following criteria are met: 0103 - Dominant negative and loss of function are known mechanisms of disease in this gene and are associated with FBN1-related disease. Variants predicted to result in nonsense mediated decay cause loss of function effects, and are more commonly associated with severe Marfan syndrome (MIM#154700). Missense variants with both dominant negative and loss of function effects on protein function, are associated with Marfan syndrome and ectopia lentis (MIM#129600) (OMIM, PMID: 29357934). The exact genotype-phenotype correlation for this gene is still unclear, and is compounded by variable expressivity (PMID: 20301510). (I) 0107 - This gene is predominantly associated with autosomal dominant disease; autosomal recessive forms of Marfan syndrome have been reported infrequently (PMID: 27274304; 31950671). 0115 - Variants in this gene are known to have variable expressivity. The genotype-phenotype correlations for this gene are unclear, with single variants reported in patients with a range of phenotypes (PMID: 20301510, OMIM). (I) 0201 - Variant is predicted to cause nonsense-mediated decay (NMD) and loss of protein (premature termination codon is located at least 54 nucleotides upstream of the final exon-exon junction). (SP) 0251 - This variant is heterozygous. (I) 0301 - Variant is absent from gnomAD (both v2 and v3). (SP) 0701 - Other NMD-predicted variants comparable to the one identified in this case have very strong previous evidence for pathogenicity (DECIPHER). (SP) 0803 - This variant has limited previous evidence of pathogenicity in an unrelated individual. This variant has been observed in a single individual with Marfan syndrome (PMID: 31149040). (SP) 0905 - No published segregation evidence has been identified for this variant. (I) 1007 - No published functional evidence has been identified for this variant. (I) Legend: (SP) - Supporting pathogenic, (I) - Information, (SB) - Supporting benign

Literature cited by the submitters: PubMed 17657824 (cited by Labcorp Genetics (formerly Invitae), Labcorp); PubMed 19293843 (cited by Labcorp Genetics (formerly Invitae), Labcorp); PubMed 31149040 (cited by Labcorp Genetics (formerly Invitae), Labcorp and Victorian Clinical Genetics Services, Murdoch Childrens Research Institute); NCBI Bookshelf NBK1335 (cited by Victorian Clinical Genetics Services, Murdoch Childrens Research Institute); PubMed 20301510 (cited by Victorian Clinical Genetics Services, Murdoch Childrens Research Institute); PubMed 27274304 (cited by Victorian Clinical Genetics Services, Murdoch Childrens Research Institute); PubMed 29357934 (cited by Victorian Clinical Genetics Services, Murdoch Childrens Research Institute); PubMed 31950671 (cited by Victorian Clinical Genetics Services, Murdoch Childrens Research Institute).